The following is an entry in ClinVar:

NM_000051.4(ATM):c.1845C>G (p.Leu615=)

Gene: ATM (ATM serine/threonine kinase; plus strand). Cytogenetic location: 11q22.3.
Variant type: single nucleotide variant.
Coding change: c.1845C>G on transcript NM_000051.4 (MANE Select); coding-DNA position 1845, C replaced by G.
Protein change: p.Leu615=; no amino-acid change (leucine 615 retained).
Molecular consequence: synonymous variant.
Genome position (GRCh38, 1-based): chr11:108,252,859, C>G. VCF-style: chr11-108252859-C-G. GRCh37 (hg19) VCF-style: chr11-108123586-C-G.
Other names: c.1845C>G, p.Leu615= (NM_001351834.2).
Identifiers: ClinVar variation 3254348 (VCV003254348.1), dbSNP rs1349398596.

ClinVar aggregate classification (germline): Benign (1 of 4 stars; one submission).

Conditions:
Familial cancer of breast. Also called: BREAST CANCER, FAMILIAL; Hereditary breast cancer; hereditary breast carcinoma. Identifiers: Orphanet 227535, MedGen C0346153, MONDO:0016419, OMIM 114480. Disease mechanism: loss of function.

Submission:

Myriad Genetics, Inc.
Classification: Benign for Familial cancer of breast. Last evaluated: 2024-05-02. Review status: criteria provided, single submitter. Criteria: Myriad Autosomal Dominant, Autosomal Recessive and X-Linked Classification Criteria (2023). Collection method: clinical testing. Allele origin: unknown.
Comment: This variant is considered benign. This variant is a silent/synonymous amino acid change and it is not expected to impact splicing.